The following is an entry in ClinVar:

NM_020376.4(PNPLA2):c.919+4_919+18del

Gene: PNPLA2 (patatin like domain 2, triacylglycerol lipase; plus strand). Cytogenetic location: 11p15.5.
Variant type: Deletion.
Coding change: c.919+4_919+18del on transcript NM_020376.4 (MANE Select); bases 4 to 18 of the intron after coding-DNA position 919, 15 bases deleted (CGCACCTGGGGGACG).
Molecular consequence: intron variant.
Genome position (GRCh38, 1-based): chr11:823,859-823,873, CGCACCTGGGGGACG deleted; deleting any 15 consecutive bases within chr11:823,858-823,873 gives the same sequence; the c. name uses the placement nearest the transcript's 3' end. VCF-style (leftmost placement, unchanged base first): chr11-823857-TGCGCACCTGGGGGAC-T. GRCh37 (hg19) VCF-style: chr11-823857-TGCGCACCTGGGGGAC-T.
Identifiers: ClinVar variation 1523176 (VCV001523176.6), dbSNP rs1845765751, ClinGen allele CA1947316974.

ClinVar aggregate classification (germline): Uncertain significance (1 of 4 stars; one submission).

Conditions:
Neutral lipid storage myopathy (NLSDM). Also called: NEUTRAL LIPID STORAGE DISEASE WITHOUT ICHTHYOSIS. Identifiers: Orphanet 98908, MedGen C1853136, MONDO:0012545, OMIM 610717.

Submission:

Labcorp Genetics (formerly Invitae), Labcorp
Classification: Uncertain significance for Neutral lipid storage myopathy. Last evaluated: 2022-06-27. Review status: criteria provided, single submitter. Criteria: Invitae Variant Classification Sherloc (09022015). Collection method: clinical testing. Allele origin: germline.
Comment: In summary, the available evidence is currently insufficient to determine the role of this variant in disease. Therefore, it has been classified as a Variant of Uncertain Significance. Variants that disrupt the consensus splice site are a relatively common cause of aberrant splicing (PMID: 17576681, 9536098). Algorithms developed to predict the effect of sequence changes on RNA splicing suggest that this variant may disrupt the consensus splice site. This sequence change falls in intron 7 of the PNPLA2 gene. It does not directly change the encoded amino acid sequence of the PNPLA2 protein. It affects a nucleotide within the consensus splice site. This variant is not present in population databases (gnomAD no frequency). This variant has not been reported in the literature in individuals affected with PNPLA2-related conditions.

Literature cited by the submitters: PubMed 17576681; PubMed 9536098.